The following is an entry in ClinVar:

NM_004958.4(MTOR):c.2773G>T (p.Asp925Tyr)

Gene: MTOR (mechanistic target of rapamycin kinase; minus strand). Cytogenetic location: 1p36.22.
Variant type: single nucleotide variant.
Coding change: c.2773G>T on transcript NM_004958.4 (MANE Select); coding-DNA position 2773, G replaced by T.
Protein change: p.Asp925Tyr; replaces aspartic acid 925 with tyrosine.
Molecular consequence: missense variant.
Genome position (GRCh38, 1-based): chr1:11,230,931, C>A on the plus strand (G>T on the coding strand, the complement: MTOR is on the minus strand). VCF-style: chr1-11230931-C-A. GRCh37 (hg19) VCF-style: chr1-11290988-C-A.
Other names: c.2773G>T, p.Asp925Tyr (NM_001386500.1); c.1525G>T, p.Asp509Tyr (NM_001386501.1); short protein forms D509Y, D925Y.
Identifiers: ClinVar variation 4874757 (VCV004874757.2).
Genomic context (GRCh38, chr1:11,230,931, plus strand): 5'-AAGGGCTCTGTGAGTGAGAACTTGGCAAGTCTTTCATGGCTACCCCCAACTTACAGGAAT[C>A]CTGACTTGACTTGGATTCTGACAGGCTGACAGCAGAGGCATCCCGGGACTGGTCTATCAT-3'
Protein context (NP_004949.1, residues 915-935): VSLSESKSSQ[Asp925Tyr]SSDYSTSEML

ClinVar aggregate classification (germline): Uncertain significance (1 of 4 stars; one submission).

Submission:

CeGaT Center for Human Genetics Tuebingen
Classification: Uncertain significance. Last evaluated: 2026-07-01. Review status: criteria provided, single submitter. Criteria: CeGaT Center For Human Genetics Tuebingen Variant Classification Criteria Version 2. Collection method: clinical testing. Allele origin: germline. Affected: yes. Observed: 2 variant alleles.
Comment: MTOR: PM2, PP3